The following is an entry in ClinVar:

ClinVar aggregate classification (germline): Uncertain significance (1 of 4 stars; one submission).

Submission:

Labcorp Genetics (formerly Invitae), Labcorp
Classification: Uncertain significance. Last evaluated: 2023-12-13. Review status: criteria provided, single submitter. Criteria: Invitae Variant Classification Sherloc (09022015). Collection method: clinical testing. Allele origin: germline.
Comment: This sequence change replaces alanine, which is neutral and non-polar, with threonine, which is neutral and polar, at codon 2420 of the MTOR protein (p.Ala2420Thr). This variant is not present in population databases (gnomAD no frequency). This variant has not been reported in the literature in individuals affected with MTOR-related conditions. Advanced modeling of protein sequence and biophysical properties (such as structural, functional, and spatial information, amino acid conservation, physicochemical variation, residue mobility, and thermodynamic stability) has been performed at Invitae for this missense variant, however the output from this modeling did not meet the statistical confidence thresholds required to predict the impact of this variant on MTOR protein function. In summary, the available evidence is currently insufficient to determine the role of this variant in disease. Therefore, it has been classified as a Variant of Uncertain Significance.

NM_004958.4(MTOR):c.7258G>A (p.Ala2420Thr)

Gene: MTOR (mechanistic target of rapamycin kinase; minus strand). Cytogenetic location: 1p36.22.
Variant type: single nucleotide variant.
Coding change: c.7258G>A on transcript NM_004958.4 (MANE Select); coding-DNA position 7258, G replaced by A.
Protein change: p.Ala2420Thr; replaces alanine 2420 with threonine.
Molecular consequence: missense variant.
Genome position (GRCh38, 1-based): chr1:11,114,360, C>T on the plus strand (G>A on the coding strand, the complement: MTOR is on the minus strand). VCF-style: chr1-11114360-C-T. GRCh37 (hg19) VCF-style: chr1-11174417-C-T.
Other names: c.7258G>A, p.Ala2420Thr (NM_001386500.1); c.6010G>A, p.Ala2004Thr (NM_001386501.1); short protein forms A2004T, A2420T.
Identifiers: ClinVar variation 2703007 (VCV002703007.3), dbSNP rs2100315332, ClinGen allele CA338380877.
Genomic context (GRCh38, chr1:11,114,360, plus strand): 5'-GCACTTGATGATACTCACTGTCCATCAGCCTCCAGTTCAGCAAGGGGTCATAGACAAAGG[C>T]TTCCAGCACGGCCATGACACTGTCCTTGTGCTCTCGCAGCACCTCCATCACTGTGTGGCA-3'
Protein context (NP_004949.1, residues 2410-2430): HKDSVMAVLE[Ala2420Thr]FVYDPLLNWR